The following is an entry in ClinVar:

NM_000038.6(APC):c.8135C>T (p.Pro2712Leu)

Gene: APC (APC regulator of Wnt signaling pathway; plus strand). Cytogenetic location: 5q22.2.
Variant type: single nucleotide variant.
Coding change: c.8135C>T on transcript NM_000038.6 (MANE Select); coding-DNA position 8135, C replaced by T.
Protein change: p.Pro2712Leu; replaces proline 2712 with leucine.
Molecular consequence: missense variant.
Genome position (GRCh38, 1-based): chr5:112,843,729, C>T. VCF-style: chr5-112843729-C-T. GRCh37 (hg19) VCF-style: chr5-112179426-C-T.
Other names: c.8135C>T, p.Pro2712Leu (NM_001127510.3, NM_001354895.2); c.8081C>T, p.Pro2694Leu (NM_001127511.3); c.8189C>T, p.Pro2730Leu (NM_001354896.2); c.8165C>T, p.Pro2722Leu (NM_001354897.2); c.8060C>T, p.Pro2687Leu (NM_001354898.2); c.8051C>T, p.Pro2684Leu (NM_001354899.2); c.8012C>T, p.Pro2671Leu (NM_001354900.2); c.7958C>T, p.Pro2653Leu (NM_001354901.2); and 5 more; short protein forms P2611L, P2621L, P2694L, P2730L, P2429L, P2552L, P2586L, P2722L.
Identifiers: ClinVar variation 647323 (VCV000647323.23), dbSNP rs1269106823, ClinGen allele CA16039001.

ClinVar aggregate classification (germline): Uncertain significance. Review status: criteria provided, multiple submitters, no conflicts (2 of 4 stars). 7 submissions from 7 submitters: Uncertain significance (7). Last evaluated 2025-06-25.

Conditions:
Classic or attenuated familial adenomatous polyposis. Identifiers: MedGen CN372698, MONDO:0021057.
Hereditary cancer-predisposing syndrome. Also called: Hereditary Cancer Syndrome; Tumor predisposition; Hereditary neoplastic syndrome; Neoplastic Syndromes, Hereditary. Identifiers: Orphanet 140162, MedGen C0027672, MeSH D009386, MONDO:0015356.
Familial adenomatous polyposis 1 (FAP1). Also called: FAMILIAL ADENOMATOUS POLYPOSIS 1, ATTENUATED; POLYPOSIS, ADENOMATOUS INTESTINAL. Identifiers: MedGen C2713442, MONDO:0021056, OMIM 175100. Disease mechanism: loss of function.

Allele frequency attached by ClinVar (database versions not stated): gnomAD exomes below 0.00001 and 0.00001; TOPMed below 0.00001.
gnomAD v4.1: 2 of 1,614,016 alleles (0.00012%); highest among the groups gnomAD compares: Admixed American, 0.0017%; no homozygotes.

Submissions (7):

Quest Diagnostics Nichols Institute San Juan Capistrano
Classification: Uncertain significance. Last evaluated: 2025-06-25. Review status: criteria provided, single submitter. Criteria: Quest Diagnostics criteria. Collection method: clinical testing. Allele origin: unknown.
Comment: The APC c.8135C>T (p.Pro2712Leu) variant has been reported in the published literature in in an individual with an advanced adenoma; however, it is unclear whether the variant is of germline or somatic origin (PMID: 29245953 (2017)). The frequency of this variant in the general population (Genome Aggregation Database) is uninformative in the assessment of its pathogenicity. Analysis of this variant using a bioinformatics tool for the prediction of the effect of amino acid changes on protein structure and function yielded a prediction that this variant is benign. Based on the available information, we are unable to determine the clinical significance of this variant.

Labcorp Genetics (formerly Invitae), Labcorp
Classification: Uncertain significance for Familial adenomatous polyposis 1. Last evaluated: 2025-05-25. Review status: criteria provided, single submitter. Criteria: Invitae Variant Classification Sherloc (09022015). Collection method: clinical testing. Allele origin: germline.
Comment: This sequence change replaces proline, which is neutral and non-polar, with leucine, which is neutral and non-polar, at codon 2712 of the APC protein (p.Pro2712Leu). This variant is present in population databases (no rsID available, gnomAD 0.003%). This variant has not been reported in the literature in individuals affected with APC-related conditions. ClinVar contains an entry for this variant (Variation ID: 647323). Invitae Evidence Modeling of protein sequence and biophysical properties (such as structural, functional, and spatial information, amino acid conservation, physicochemical variation, residue mobility, and thermodynamic stability) indicates that this missense variant is not expected to disrupt APC protein function with a negative predictive value of 95%. In summary, the available evidence is currently insufficient to determine the role of this variant in disease. Therefore, it has been classified as a Variant of Uncertain Significance.

Ambry Genetics
Classification: Uncertain significance for Hereditary cancer-predisposing syndrome. Last evaluated: 2024-07-03. Review status: criteria provided, single submitter. Criteria: Ambry Variant Classification Scheme 2023. Collection method: clinical testing. Allele origin: germline.
Comment: The p.P2712L variant (also known as c.8135C>T), located in coding exon 15 of the APC gene, results from a C to T substitution at nucleotide position 8135. The proline at codon 2712 is replaced by leucine, an amino acid with similar properties. This amino acid position is not well conserved in available vertebrate species. In addition, in silico predictors for this gene do not accurately predict pathogenicity. Since supporting evidence is limited at this time, the clinical significance of this alteration remains unclear.

All of Us Research Program, National Institutes of Health
Classification: Uncertain significance for Classic or attenuated familial adenomatous polyposis. Last evaluated: 2024-04-16. Review status: criteria provided, single submitter. Criteria: ACMG Guidelines, 2015. Collection method: clinical testing. Allele origin: germline. Inheritance: Autosomal dominant inheritance. Observed: 1 variant allele, 1 heterozygote.
Comment: This missense variant replaces proline with leucine at codon 2712 of the APC protein. Computational prediction suggests that this variant may not impact protein structure and function (internally defined REVEL score threshold <= 0.5, PMID: 27666373). To our knowledge, functional studies have not been reported for this variant. This variant has not been reported in individuals affected with APC-related disorders in the literature. This variant has been identified in 2/251324 chromosomes in the general population by the Genome Aggregation Database (gnomAD). The available evidence is insufficient to determine the role of this variant in disease conclusively. Therefore, this variant is classified as a Variant of Uncertain Significance.

This study involves interpretation of variants in research participants for the purpose of population health screening. Participant phenotype was not available at the time of variant classification. Additional details can be found in publication PMID: 35346344, PMCID: PMC8962531

Baylor Genetics
Classification: Uncertain significance for Familial adenomatous polyposis 1. Last evaluated: 2023-07-08. Review status: criteria provided, single submitter. Criteria: ACMG Guidelines, 2015. Collection method: clinical testing. Allele origin: unknown.

Color Diagnostics, LLC DBA Color Health
Classification: Uncertain significance for Hereditary cancer-predisposing syndrome. Last evaluated: 2023-04-24. Review status: criteria provided, single submitter. Criteria: ACMG Guidelines, 2015. Collection method: clinical testing. Allele origin: germline.
Comment: This missense variant replaces proline with leucine at codon 2712 of the APC protein. Computational prediction suggests that this variant may not impact protein structure and function (internally defined REVEL score threshold <= 0.5, PMID: 27666373). To our knowledge, functional studies have not been reported for this variant. This variant has not been reported in individuals affected with APC-related disorders in the literature. This variant has been identified in 2/251324 chromosomes in the general population by the Genome Aggregation Database (gnomAD). The available evidence is insufficient to determine the role of this variant in disease conclusively. Therefore, this variant is classified as a Variant of Uncertain Significance.

GeneDx
Classification: Uncertain significance. Last evaluated: 2020-01-30. Review status: criteria provided, single submitter. Criteria: GeneDx Variant Classification Process June 2021. Collection method: clinical testing. Allele origin: germline. Affected: yes.
Comment: Not observed at a significant frequency in large population cohorts (Lek 2016); In silico analysis, which includes protein predictors and evolutionary conservation, supports that this variant does not alter protein structure/function; Has not been previously published as pathogenic or benign to our knowledge

Literature cited by the submitters: PubMed 29245953 (cited by Quest Diagnostics Nichols Institute San Juan Capistrano).